The following is an entry in ClinVar:

ClinVar aggregate classification (germline): Likely benign. Review status: criteria provided, single submitter (1 of 4 stars). 2 submissions from 2 submitters: Likely benign (1). 1 of the submissions does not count toward it. Last evaluated 2025-07-01.

Conditions:
KDM3B-related disorder. Also called: KDM3B-related condition.

Allele frequency attached by ClinVar (database versions not stated): gnomAD exomes 0.00013 and 0.00021; 1000 Genomes Project 30x 0.00016; ExAC 0.00017; 1000 Genomes Project 0.00020; gnomAD 0.00021 and 0.00024; TOPMed 0.00033; ESP Exome Variant Server 0.00038.
gnomAD v4.1: 248 of 1,614,040 alleles (0.015%); highest among the groups gnomAD compares: Middle Eastern, 0.87%; 2 homozygotes.

Submissions (2):

CeGaT Center for Human Genetics Tuebingen
Classification: Likely benign. Last evaluated: 2025-07-01. Review status: criteria provided, single submitter. Criteria: CeGaT Center For Human Genetics Tuebingen Variant Classification Criteria Version 2. Collection method: clinical testing. Allele origin: germline. Affected: yes. Observed: 4 variant alleles.
Comment: KDM3B: BP4, BP7

PreventionGenetics, part of Exact Sciences
Classification: Likely benign for KDM3B-related condition. Last evaluated: 2022-09-29. Review status: no assertion criteria provided. Collection method: clinical testing. Allele origin: germline. Not counted in ClinVar's aggregate classification.
Comment: This variant is classified as likely benign based on ACMG/AMP sequence variant interpretation guidelines (Richards et al. 2015 PMID: 25741868, with internal and published modifications).

NM_016604.4(KDM3B):c.3903G>A (p.Pro1301=)

Gene: KDM3B (lysine demethylase 3B; plus strand). Cytogenetic location: 5q31.2.
Variant type: single nucleotide variant.
Coding change: c.3903G>A on transcript NM_016604.4 (MANE Select); coding-DNA position 3903, G replaced by A.
Protein change: p.Pro1301=; no amino-acid change (proline 1301 retained).
Molecular consequence: synonymous variant.
Genome position (GRCh38, 1-based): chr5:138,420,893, G>A. VCF-style: chr5-138420893-G-A. GRCh37 (hg19) VCF-style: chr5-137756582-G-A.
Other names: c.3903G>A (NM_016604.3).
Identifiers: ClinVar variation 1695140 (VCV001695140.32), dbSNP rs144181285, ClinGen allele CA3429356.